The following is an entry in ClinVar:

ClinVar aggregate classification (germline): Uncertain significance (1 of 4 stars; one submission).

gnomAD v4.1: 8 of 1,613,970 alleles (0.0005%); highest among the groups gnomAD compares: Non-Finnish European, 0.00068%; no homozygotes.

Submission:

Dasa
Classification: Uncertain significance. Last evaluated: 2025-04-22. Review status: criteria provided, single submitter. Criteria: DASA Assertion Criteria. Collection method: clinical testing. Allele origin: germline.
Comment: NM_001174089.2(SLC4A11):c.212T>G (p.Val71Gly) is a missense variant that results in the substitution of valine with glycine. This variant is rare in population databases. Computational prediction algorithms are consistent with a deleterious effect. The currently available literature and clinical evidence are not sufficient to establish a definitive association between this variant and the reported condition. Therefore, this variant is classified as a variant of uncertain significance.

NM_001174089.2(SLC4A11):c.212T>G (p.Val71Gly)

Gene: SLC4A11 (solute carrier family 4 member 11; minus strand). Cytogenetic location: 20p13.
Variant type: single nucleotide variant.
Coding change: c.212T>G on transcript NM_001174089.2 (MANE Select); coding-DNA position 212, T replaced by G.
Protein change: p.Val71Gly; replaces valine 71 with glycine.
Molecular consequence: missense variant. On other transcripts: non-coding transcript variant (3).
Genome position (GRCh38, 1-based): chr20:3,234,771, A>C on the plus strand (T>G on the coding strand, the complement: SLC4A11 is on the minus strand). VCF-style: chr20-3234771-A-C. GRCh37 (hg19) VCF-style: chr20-3215417-A-C.
Other names: c.341T>G, p.Val114Gly (NM_001174090.2, NM_001400280.1); c.212T>G, p.Val71Gly (NM_001363745.2); c.155T>G, p.Val52Gly (NM_001400277.1, NM_001400278.1, NM_001400279.1); c.260T>G, p.Val87Gly (NM_032034.4); short protein forms V114G, V52G, V71G, V87G.
Identifiers: ClinVar variation 4886185 (VCV004886185.2).